The following is an entry in ClinVar:

ClinVar aggregate classification (germline): Uncertain significance (1 of 4 stars; one submission).

Submission:

CeGaT Center for Human Genetics Tuebingen
Classification: Uncertain significance. Last evaluated: 2025-05-01. Review status: criteria provided, single submitter. Criteria: CeGaT Center For Human Genetics Tuebingen Variant Classification Criteria Version 2. Collection method: clinical testing. Allele origin: germline. Affected: yes. Observed: 1 variant allele.
Comment: GABRA5: PM2, PP2

NM_000810.4(GABRA5):c.794A>T (p.Tyr265Phe)

Gene: GABRA5 (gamma-aminobutyric acid type A receptor subunit alpha5; plus strand). Cytogenetic location: 15q12.
Variant type: single nucleotide variant.
Coding change: c.794A>T on transcript NM_000810.4 (MANE Select); coding-DNA position 794, A replaced by T.
Protein change: p.Tyr265Phe; replaces tyrosine 265 with phenylalanine.
Molecular consequence: missense variant.
Genome position (GRCh38, 1-based): chr15:26,939,994, A>T. VCF-style: chr15-26939994-A-T. GRCh37 (hg19) VCF-style: chr15-27185141-A-T.
Other names: c.794A>T, p.Tyr265Phe (NM_001165037.2); short protein forms Y265F.
Identifiers: ClinVar variation 3905915 (VCV003905915.10).
Genomic context (GRCh38, chr15:26,939,994, plus strand): 5'-CAATCATGACAGCTCACTTCCACCTGAAAAGGAAGATTGGCTACTTTGTCATCCAGACCT[A>T]CCTTCCCTGCATAATGACCGTGATCTTATCACAGGTGTCCTTTTGGCTGAACCGGGAATC-3'
Protein context (NP_000801.1, residues 255-275): RKIGYFVIQT[Tyr265Phe]LPCIMTVILS